The following is an entry in ClinVar:

NM_001853.4(COL9A3):c.1543G>A (p.Val515Ile)

Genes: COL9A3 (collagen type IX alpha 3 chain; plus strand), LOC126863084 (MED14-independent group 3 enhancer GRCh37_chr20:61467141-61468340; plus strand). Cytogenetic location: 20q13.33.
Variant type: single nucleotide variant.
Coding change: c.1543G>A on transcript NM_001853.4 (MANE Select); coding-DNA position 1543, G replaced by A.
Protein change: p.Val515Ile; replaces valine 515 with isoleucine.
Molecular consequence: missense variant.
Genome position (GRCh38, 1-based): chr20:62,836,328, G>A. VCF-style: chr20-62836328-G-A. GRCh37 (hg19) VCF-style: chr20-61467680-G-A.
Other names: short protein forms V515I.
Identifiers: ClinVar variation 1439583 (VCV001439583.6), dbSNP rs1234015358, ClinGen allele CA409598236.

ClinVar aggregate classification (germline): Uncertain significance (1 of 4 stars; one submission).

Allele frequency attached by ClinVar (database versions not stated): gnomAD exomes below 0.00001 and 0.00001; gnomAD 0.00001; TOPMed 0.00001.

Submission:

Labcorp Genetics (formerly Invitae), Labcorp
Classification: Uncertain significance. Last evaluated: 2025-11-13. Review status: criteria provided, single submitter. Criteria: Invitae Variant Classification Sherloc (09022015). Collection method: clinical testing. Allele origin: germline.
Comment: This sequence change replaces valine, which is neutral and non-polar, with isoleucine, which is neutral and non-polar, at codon 515 of the COL9A3 protein (p.Val515Ile). This variant is present in population databases (no rsID available, gnomAD 0.0009%). This variant has not been reported in the literature in individuals affected with COL9A3-related conditions. ClinVar contains an entry for this variant (Variation ID: 1439583). Invitae Evidence Modeling of protein sequence and biophysical properties (such as structural, functional, and spatial information, amino acid conservation, physicochemical variation, residue mobility, and thermodynamic stability) indicates that this missense variant is not expected to disrupt COL9A3 protein function with a negative predictive value of 95%. In summary, the available evidence is currently insufficient to determine the role of this variant in disease. Therefore, it has been classified as a Variant of Uncertain Significance.